The following is an entry in ClinVar:

ClinVar aggregate classification (germline): Uncertain significance (1 of 4 stars; one submission).

Conditions:
Duchenne muscular dystrophy (DMD). Also called: MUSCULAR DYSTROPHY, PSEUDOHYPERTROPHIC PROGRESSIVE, DUCHENNE TYPE; Duchenne Muscular Dystrophy (DMD). Identifiers: Orphanet 98896, MedGen C0013264, MONDO:0010679, OMIM 310200.

Allele frequency attached by ClinVar (database versions not stated): gnomAD exomes below 0.00001.
gnomAD v4.1: 2 of 1,209,859 alleles (0.00017%); highest among the groups gnomAD compares: Non-Finnish European, 0.00022%; no homozygotes.

Submission:

Labcorp Genetics (formerly Invitae), Labcorp
Classification: Uncertain significance for Duchenne muscular dystrophy. Last evaluated: 2022-12-24. Review status: criteria provided, single submitter. Criteria: Invitae Variant Classification Sherloc (09022015). Collection method: clinical testing. Allele origin: germline.
Comment: In summary, the available evidence is currently insufficient to determine the role of this variant in disease. Therefore, it has been classified as a Variant of Uncertain Significance. Advanced modeling of protein sequence and biophysical properties (such as structural, functional, and spatial information, amino acid conservation, physicochemical variation, residue mobility, and thermodynamic stability) performed at Invitae indicates that this missense variant is not expected to disrupt DMD protein function. This variant has not been reported in the literature in individuals affected with DMD-related conditions. This variant is not present in population databases (gnomAD no frequency). This sequence change replaces threonine, which is neutral and polar, with alanine, which is neutral and non-polar, at codon 729 of the DMD protein (p.Thr729Ala).

NM_004006.3(DMD):c.2185A>G (p.Thr729Ala)

Gene: DMD (dystrophin; minus strand). Cytogenetic location: Xp21.1.
Variant type: single nucleotide variant.
Coding change: c.2185A>G on transcript NM_004006.3 (MANE Select); coding-DNA position 2185, A replaced by G.
Protein change: p.Thr729Ala; replaces threonine 729 with alanine.
Molecular consequence: missense variant.
Genome position (GRCh38, 1-based): chrX:32,518,115, T>C on the plus strand (A>G on the coding strand, the complement: DMD is on the minus strand). VCF-style: chrX-32518115-T-C. GRCh37 (hg19) VCF-style: chrX-32536232-T-C.
Other names: c.2161A>G, p.Thr721Ala (NM_000109.4); c.2173A>G, p.Thr725Ala (NM_004009.3); c.1816A>G, p.Thr606Ala (NM_004010.3); short protein forms T721A, T729A, T725A, T606A.
Identifiers: ClinVar variation 2823755 (VCV002823755.3), dbSNP rs1208346420, ClinGen allele CA412664161.